The following is an entry in ClinVar:

NM_000128.4(F11):c.599G>C (p.Cys200Ser)

Gene: F11 (coagulation factor XI; plus strand). Cytogenetic location: 4q35.2.
Variant type: single nucleotide variant.
Coding change: c.599G>C on transcript NM_000128.4 (MANE Select); coding-DNA position 599, G replaced by C.
Protein change: p.Cys200Ser; replaces cysteine 200 with serine.
Molecular consequence: missense variant. On other transcripts: intron variant (4).
Genome position (GRCh38, 1-based): chr4:186,276,234, G>C. VCF-style: chr4-186276234-G-C. GRCh37 (hg19) VCF-style: chr4-187197388-G-C.
Other names: c.599G>C, p.Cys200Ser (NM_001440590.1, NM_001440593.1, NM_001440596.1); c.485+1959G>C (NM_001440605.1, NM_001440607.1, NM_001440606.1 and 1 more transcripts); short protein forms C200S.
Identifiers: ClinVar variation 5003537 (VCV005003537.1).

ClinVar aggregate classification (germline): Uncertain significance (1 of 4 stars; one submission).

Conditions:
Hereditary factor XI deficiency disease. Also called: PLASMA THROMBOPLASTIN ANTECEDENT DEFICIENCY; PTA DEFICIENCY; ROSENTHAL SYNDROME; Congenital factor XI deficiency. Identifiers: Orphanet 329, MedGen C0015523, MeSH D005173, MONDO:0012897, OMIM 612416.

Submission:

Myriad Genetics, Inc.
Classification: Uncertain significance for Hereditary factor XI deficiency disease. Last evaluated: 2026-03-04. Review status: criteria provided, single submitter. Criteria: Myriad Autosomal Dominant, Autosomal Recessive and X-Linked Classification Criteria (2023). Collection method: clinical testing. Allele origin: unknown.
Comment: NM_000128.3(F11):c.599G>C(C200S) is a missense variant classified as a variant of uncertain significance in the context of factor XI deficiency. C200S has been observed in a case with relevant disease (PMID: 27067486). Relevant functional assessments of this variant are not available in the literature. Internal structural analysis of the variant is supportive of pathogenicity. C200S has not been observed in referenced population frequency databases. In summary, there is insufficient evidence to classify NM_000128.3(F11):c.599G>C(C200S) as pathogenic or benign. Please note: this variant was assessed in the context of healthy population screening.

Literature cited by the submitters: PubMed 27067486.